The following is an entry in ClinVar:

NM_005477.3(HCN4):c.3292G>T (p.Ala1098Ser)

Gene: HCN4 (hyperpolarization activated cyclic nucleotide gated potassium channel 4; minus strand). Cytogenetic location: 15q24.1.
Variant type: single nucleotide variant.
Coding change: c.3292G>T on transcript NM_005477.3 (MANE Select); coding-DNA position 3292, G replaced by T.
Protein change: p.Ala1098Ser; replaces alanine 1098 with serine.
Molecular consequence: missense variant.
Genome position (GRCh38, 1-based): chr15:73,322,801, C>A on the plus strand (G>T on the coding strand, the complement: HCN4 is on the minus strand). VCF-style: chr15-73322801-C-A. GRCh37 (hg19) VCF-style: chr15-73615142-C-A.
Other names: short protein forms A1098S.
Identifiers: ClinVar variation 3636607 (VCV003636607.2).
Genomic context (GRCh38, chr15:73,322,801, plus strand): 5'-GCGGGAAGGCAGCCATGGACTCCCCTGAGGAGTGCGGGGAGGCTCTGCGGAGAGTCTGCG[C>A]CCCGTCCTGAGGCAGGGCTGGCTGAGACGCGGAGATGAGCTTGAGGTCCTGGGTGAGGCG-3'
Protein context (NP_005468.1, residues 1088-1108): ASQPALPQDG[Ala1098Ser]QTLRRASPHS

ClinVar aggregate classification (germline): Uncertain significance (1 of 4 stars; one submission).

Conditions:
Brugada syndrome 8 (BRGDA8). Identifiers: Orphanet 130, MedGen C2751083, MONDO:0013148, OMIM 613123.

gnomAD v4.1: 1 of 1,541,942 alleles (0.000065%); highest among the groups gnomAD compares: Non-Finnish European, 0.000087%; no homozygotes.

Submission:

Labcorp Genetics (formerly Invitae), Labcorp
Classification: Uncertain significance for Brugada syndrome 8. Last evaluated: 2024-02-29. Review status: criteria provided, single submitter. Criteria: Invitae Variant Classification Sherloc (09022015). Collection method: clinical testing. Allele origin: germline.
Comment: This sequence change replaces alanine, which is neutral and non-polar, with serine, which is neutral and polar, at codon 1098 of the HCN4 protein (p.Ala1098Ser). This variant is not present in population databases (gnomAD no frequency). This variant has not been reported in the literature in individuals affected with HCN4-related conditions. Advanced modeling of protein sequence and biophysical properties (such as structural, functional, and spatial information, amino acid conservation, physicochemical variation, residue mobility, and thermodynamic stability) performed at Invitae indicates that this missense variant is not expected to disrupt HCN4 protein function with a negative predictive value of 95%. In summary, the available evidence is currently insufficient to determine the role of this variant in disease. Therefore, it has been classified as a Variant of Uncertain Significance.